The following is an entry in ClinVar:

NM_001903.5(CTNNA1):c.157G>A (p.Gly53Ser)

Gene: CTNNA1 (catenin alpha 1; plus strand). Cytogenetic location: 5q31.2.
Variant type: single nucleotide variant.
Coding change: c.157G>A on transcript NM_001903.5 (MANE Select); coding-DNA position 157, G replaced by A.
Protein change: p.Gly53Ser; replaces glycine 53 with serine.
Molecular consequence: missense variant. On other transcripts: 5 prime UTR variant (1), intron variant (1).
Genome position (GRCh38, 1-based): chr5:138,783,228, G>A. VCF-style: chr5-138783228-G-A. GRCh37 (hg19) VCF-style: chr5-138118917-G-A.
Other names: c.157G>A, p.Gly53Ser (NM_001290307.3, NM_001323982.2, NM_001323983.1 and 3 more transcripts); c.-50G>A (NM_001290310.3); c.-9+1199G>A (NM_001290309.3); short protein forms G53S.
Identifiers: ClinVar variation 963115 (VCV000963115.12), dbSNP rs1755328949, ClinGen allele CA361477371.

ClinVar aggregate classification (germline): Uncertain significance. Review status: criteria provided, multiple submitters, no conflicts (2 of 4 stars). 2 submissions from 2 submitters: Uncertain significance (2). Last evaluated 2022-04-19.

Conditions:
Hereditary cancer-predisposing syndrome. Also called: Tumor predisposition; Hereditary neoplastic syndrome; Hereditary Cancer Syndrome; Neoplastic Syndromes, Hereditary. Identifiers: Orphanet 140162, MedGen C0027672, MeSH D009386, MONDO:0015356.

Submissions (2):

Ambry Genetics
Classification: Uncertain significance for Hereditary cancer-predisposing syndrome. Last evaluated: 2022-04-19. Review status: criteria provided, single submitter. Criteria: Ambry Variant Classification Scheme 2023. Collection method: clinical testing. Allele origin: germline.
Comment: The p.G53S variant (also known as c.157G>A), located in coding exon 2 of the CTNNA1 gene, results from a G to A substitution at nucleotide position 157. The glycine at codon 53 is replaced by serine, an amino acid with similar properties. This amino acid position is conserved. In addition, the in silico prediction for this alteration is inconclusive. Since supporting evidence is limited at this time, the clinical significance of this alteration remains unclear.

Labcorp Genetics (formerly Invitae), Labcorp
Classification: Uncertain significance. Last evaluated: 2019-09-21. Review status: criteria provided, single submitter. Criteria: Invitae Variant Classification Sherloc (09022015). Collection method: clinical testing. Allele origin: germline.
Comment: In summary, the available evidence is currently insufficient to determine the role of this variant in disease. Therefore, it has been classified as a Variant of Uncertain Significance. Algorithms developed to predict the effect of missense changes on protein structure and function are either unavailable or do not agree on the potential impact of this missense change (SIFT: "Deleterious"; PolyPhen-2: "Probably Damaging"; Align-GVGD: "Class C0"). This variant has not been reported in the literature in individuals with CTNNA1-related conditions. This variant is not present in population databases (ExAC no frequency). This sequence change replaces glycine with serine at codon 53 of the CTNNA1 protein (p.Gly53Ser). The glycine residue is highly conserved and there is a small physicochemical difference between glycine and serine.